The following is an entry in ClinVar:

ClinVar aggregate classification (germline): Uncertain significance (1 of 4 stars; one submission).

Allele frequency attached by ClinVar (database versions not stated): TOPMed 0.00001; gnomAD exomes 0.00005; ExAC 0.00008.
gnomAD v4.1: 69 of 1,613,960 alleles (0.0043%); highest among the groups gnomAD compares: South Asian, 0.064%; no homozygotes.

Submission:

GeneDx
Classification: Uncertain significance. Last evaluated: 2022-04-18. Review status: criteria provided, single submitter. Criteria: GeneDx Variant Classification Process June 2021. Collection method: clinical testing. Allele origin: germline. Affected: yes.
Comment: In silico analysis supports that this missense variant does not alter protein structure/function; Has not been previously published as pathogenic or benign to our knowledge

NM_015001.3(SPEN):c.6159C>A (p.Asn2053Lys)

Gene: SPEN (spen family transcriptional repressor; plus strand). Cytogenetic location: 1p36.13.
Variant type: single nucleotide variant.
Coding change: c.6159C>A on transcript NM_015001.3 (MANE Select); coding-DNA position 6159, C replaced by A.
Protein change: p.Asn2053Lys; replaces asparagine 2053 with lysine.
Molecular consequence: missense variant.
Genome position (GRCh38, 1-based): chr1:15,932,399, C>A. VCF-style: chr1-15932399-C-A. GRCh37 (hg19) VCF-style: chr1-16258894-C-A.
Other names: short protein forms N2053K.
Identifiers: ClinVar variation 1712007 (VCV001712007.2), dbSNP rs779191752, ClinGen allele CA619871.